The following is an entry in ClinVar:

NM_017534.6(MYH2):c.5680C>T (p.Gln1894Ter)

Genes: MYHAS (myosin heavy chain gene cluster antisense RNA; plus strand), MYH2 (myosin heavy chain 2; minus strand). Cytogenetic location: 17p13.1.
Variant type: single nucleotide variant.
Coding change: c.5680C>T on transcript NM_017534.6 (MANE Select); coding-DNA position 5680, C replaced by T.
Protein change: p.Gln1894Ter; replaces glutamine 1894 with a stop codon.
Molecular consequence: nonsense.
Genome position (GRCh38, 1-based): chr17:10,521,426, G>A on the plus strand (C>T on the coding strand, the complement: MYH2 is on the minus strand). VCF-style: chr17-10521426-G-A. GRCh37 (hg19) VCF-style: chr17-10424743-G-A.
Other names: c.5680C>T, p.Gln1894Ter (NM_001100112.2); short protein forms Q1894*.
Identifiers: ClinVar variation 2845734 (VCV002845734.3), dbSNP rs2508401997, ClinGen allele CA398110931.

ClinVar aggregate classification (germline): Uncertain significance (1 of 4 stars; one submission).

Conditions:
Myopathy, proximal, and ophthalmoplegia (CMYO6). Also called: CONGENITAL MYOPATHY 6 WITH OPHTHALMOPLEGIA; INCLUSION BODY MYOPATHY 3, AUTOSOMAL DOMINANT; MYOPATHY WITH CONGENITAL JOINT CONTRACTURES, OPHTHALMOPLEGIA, AND RIMMED VACUOLES. Identifiers: Orphanet 363677, Orphanet 79091, MedGen C1854106, MONDO:0011577, OMIM 605637.

Submission:

Labcorp Genetics (formerly Invitae), Labcorp
Classification: Uncertain significance for Myopathy, proximal, and ophthalmoplegia. Last evaluated: 2023-03-14. Review status: criteria provided, single submitter. Criteria: Invitae Variant Classification Sherloc (09022015). Collection method: clinical testing. Allele origin: germline.
Comment: This variant has not been reported in the literature in individuals affected with MYH2-related conditions. This variant is not present in population databases (gnomAD no frequency). This sequence change creates a premature translational stop signal (p.Gln1894*) in the MYH2 gene. While this is not anticipated to result in nonsense mediated decay, it is expected to disrupt the last 48 amino acid(s) of the MYH2 protein. In summary, the available evidence is currently insufficient to determine the role of this variant in disease. Therefore, it has been classified as a Variant of Uncertain Significance. Experimental studies and prediction algorithms are not available or were not evaluated, and the functional significance of this variant is currently unknown.